The following is an entry in ClinVar:

NM_006904.7(PRKDC):c.8743C>T (p.Arg2915Cys)

Genes: PRKDC (protein kinase, DNA-activated, catalytic subunit; minus strand), LOC121740717 (Sharpr-MPRA regulatory region 7649; plus strand). Cytogenetic location: 8q11.21.
Variant type: single nucleotide variant.
Coding change: c.8743C>T on transcript NM_006904.7 (MANE Select); coding-DNA position 8743, C replaced by T.
Protein change: p.Arg2915Cys; replaces arginine 2915 with cysteine.
Molecular consequence: missense variant.
Genome position (GRCh38, 1-based): chr8:47,826,696, G>A on the plus strand (C>T on the coding strand, the complement: PRKDC is on the minus strand). VCF-style: chr8-47826696-G-A. GRCh37 (hg19) VCF-style: chr8-48739257-G-A.
Other names: c.8743C>T, p.Arg2915Cys (NM_001081640.2); short protein forms R2915C.
Identifiers: ClinVar variation 839797 (VCV000839797.5), dbSNP rs373627081, ClinGen allele CA4739754.

ClinVar aggregate classification (germline): Uncertain significance (1 of 4 stars; one submission).

Conditions:
Severe combined immunodeficiency due to DNA-PKcs deficiency. Also called: IMMUNODEFICIENCY 26 WITH NEUROLOGIC ABNORMALITIES; Immunodeficiency 26 with or without neurologic abnormalities. Identifiers: Orphanet 317425, MedGen C4014833, MONDO:0014423, OMIM 615966.

Allele frequency attached by ClinVar (database versions not stated): gnomAD 0.00001 and 0.00002; gnomAD exomes 0.00001 and 0.00002; TOPMed 0.00001; ExAC 0.00003; ESP Exome Variant Server 0.00008.
gnomAD v4.1: 20 of 1,612,986 alleles (0.0012%); highest among the groups gnomAD compares: East Asian, 0.0089%; no homozygotes.

Submission:

Labcorp Genetics (formerly Invitae), Labcorp
Classification: Uncertain significance for Severe combined immunodeficiency due to DNA-PKcs deficiency. Last evaluated: 2024-12-24. Review status: criteria provided, single submitter. Criteria: Invitae Variant Classification Sherloc (09022015). Collection method: clinical testing. Allele origin: germline.
Comment: This sequence change replaces arginine, which is basic and polar, with cysteine, which is neutral and slightly polar, at codon 2915 of the PRKDC protein (p.Arg2915Cys). This variant is present in population databases (rs373627081, gnomAD 0.006%). This variant has not been reported in the literature in individuals affected with PRKDC-related conditions. ClinVar contains an entry for this variant (Variation ID: 839797). Invitae Evidence Modeling of protein sequence and biophysical properties (such as structural, functional, and spatial information, amino acid conservation, physicochemical variation, residue mobility, and thermodynamic stability) indicates that this missense variant is not expected to disrupt PRKDC protein function with a negative predictive value of 80%. In summary, the available evidence is currently insufficient to determine the role of this variant in disease. Therefore, it has been classified as a Variant of Uncertain Significance.